The following is an entry in ClinVar:

ClinVar aggregate classification (germline): Uncertain significance (1 of 4 stars; one submission).

Submission:

Labcorp Genetics (formerly Invitae), Labcorp
Classification: Uncertain significance. Last evaluated: 2024-04-17. Review status: criteria provided, single submitter. Criteria: Invitae Variant Classification Sherloc (09022015). Collection method: clinical testing. Allele origin: germline.
Comment: This sequence change replaces lysine, which is basic and polar, with asparagine, which is neutral and polar, at codon 270 of the CLCN7 protein (p.Lys270Asn). This variant is present in population databases (rs761436699, gnomAD 0.002%). This variant has not been reported in the literature in individuals affected with CLCN7-related conditions. Advanced modeling of protein sequence and biophysical properties (such as structural, functional, and spatial information, amino acid conservation, physicochemical variation, residue mobility, and thermodynamic stability) performed at Invitae indicates that this missense variant is not expected to disrupt CLCN7 protein function with a negative predictive value of 95%. In summary, the available evidence is currently insufficient to determine the role of this variant in disease. Therefore, it has been classified as a Variant of Uncertain Significance.

NM_001287.6(CLCN7):c.810A>T (p.Lys270Asn)

Gene: CLCN7 (chloride voltage-gated channel 7; minus strand). Cytogenetic location: 16p13.3.
Variant type: single nucleotide variant.
Coding change: c.810A>T on transcript NM_001287.6 (MANE Select); coding-DNA position 810, A replaced by T.
Protein change: p.Lys270Asn; replaces lysine 270 with asparagine.
Molecular consequence: missense variant.
Genome position (GRCh38, 1-based): chr16:1,457,266, T>A on the plus strand (A>T on the coding strand, the complement: CLCN7 is on the minus strand). VCF-style: chr16-1457266-T-A. GRCh37 (hg19) VCF-style: chr16-1507267-T-A.
Other names: c.738A>T, p.Lys246Asn (NM_001114331.3); short protein forms K246N, K270N.
Identifiers: ClinVar variation 3605033 (VCV003605033.2).
Genomic context (GRCh38, chr16:1,457,266, plus strand): 5'-CCCGTGCCCATGGCATCTGGAGCCCACCCACACAAGATTTCAACTCACCTTGAAATCTCG[T>A]TTCAGTGACGTTGACCTTCCCTGAGAGATCCCGGCGGCAATCACTGAACCTGAGTGGATC-3'
Protein context (NP_001278.1, residues 260-280): GISQGRSTSL[Lys270Asn]RDFKIFEYFR